The following is an entry in ClinVar:

NM_015559.3(SETBP1):c.3766G>A (p.Val1256Met)

Gene: SETBP1 (SET binding protein 1; plus strand). Cytogenetic location: 18q12.3.
Variant type: single nucleotide variant.
Coding change: c.3766G>A on transcript NM_015559.3 (MANE Select); coding-DNA position 3766, G replaced by A.
Protein change: p.Val1256Met; replaces valine 1256 with methionine.
Molecular consequence: missense variant.
Genome position (GRCh38, 1-based): chr18:44,953,106, G>A. VCF-style: chr18-44953106-G-A. GRCh37 (hg19) VCF-style: chr18-42533071-G-A.
Other names: c.3766G>A, p.Val1256Met (NM_001379141.1, NM_001379142.1, NM_001410862.1); short protein forms V1256M.
Identifiers: ClinVar variation 4883505 (VCV004883505.2).

ClinVar aggregate classification (germline): Uncertain significance (1 of 4 stars; one submission).

Submission:

Dasa
Classification: Uncertain significance. Last evaluated: 2024-08-13. Review status: criteria provided, single submitter. Criteria: DASA Assertion Criteria. Collection method: clinical testing. Allele origin: germline.
Comment: NM_015559.3(SETBP1):c.3766G>A (p.Val1256Met) is a missense variant that results in the substitution of valine with methionine. This variant is absent from population databases. Computational prediction algorithms are consistent with a benign effect. The currently available literature and clinical evidence are not sufficient to establish a definitive association between this variant and the reported condition. Therefore, this variant is classified as a variant of uncertain significance.